The following is an entry in ClinVar:

NM_000036.3(AMPD1):c.638G>T (p.Gly213Val)

Gene: AMPD1 (adenosine monophosphate deaminase 1; minus strand). Cytogenetic location: 1p13.2.
Variant type: single nucleotide variant.
Coding change: c.638G>T on transcript NM_000036.3 (MANE Select); coding-DNA position 638, G replaced by T.
Protein change: p.Gly213Val; replaces glycine 213 with valine.
Molecular consequence: missense variant.
Genome position (GRCh38, 1-based): chr1:114,680,388, C>A on the plus strand (G>T on the coding strand, the complement: AMPD1 is on the minus strand). VCF-style: chr1-114680388-C-A. GRCh37 (hg19) VCF-style: chr1-115223009-C-A.
Other names: c.626G>T, p.Gly209Val (NM_001172626.2); short protein forms G209V, G213V.
Identifiers: ClinVar variation 1934842 (VCV001934842.3), dbSNP rs750771493, ClinGen allele CA1020353.
Genomic context (GRCh38, chr1:114,680,388, plus strand): 5'-GGAAGTGGCTTAGGCTCATCTTTGCTGACTGCTGCTTCATTAGGATAGACGTAAACTACA[C>A]CGTCCTTCATTTTGAGGTGATAGCCCAGGTTTTCAGGAAGGTTGTCTGTTCGGAAGGGGT-3'
Protein context (NP_000027.3, residues 203-223): NLGYHLKMKD[Gly213Val]VVYVYPNEAA

ClinVar aggregate classification (germline): Uncertain significance (1 of 4 stars; one submission).

Conditions:
Muscle AMP deaminase deficiency (MMDD). Also called: ADENOSINE MONOPHOSPHATE DEAMINASE-1 DEFICIENCY, MYOPATHY DUE TO; Myoadenylate deaminase deficiency, myopathy due to; Adenosine monophosphate deaminase 1 deficiency; AMP deaminase 1 deficiency; Adenosine Monophosphate Deaminase 1; AMPD1 DEFICIENCY. Identifiers: Orphanet 45, MedGen C3714933, MONDO:0014220, OMIM 615511.

Allele frequency attached by ClinVar (database versions not stated): ExAC 0.00004.
gnomAD v4.1: 45 of 1,614,054 alleles (0.0028%); highest among the groups gnomAD compares: Middle Eastern, 0.049%; no homozygotes.

Submission:

Labcorp Genetics (formerly Invitae), Labcorp
Classification: Uncertain significance for Muscle AMP deaminase deficiency. Last evaluated: 2025-06-30. Review status: criteria provided, single submitter. Criteria: Invitae Variant Classification Sherloc (09022015). Collection method: clinical testing. Allele origin: germline.
Comment: This sequence change replaces glycine, which is neutral and non-polar, with valine, which is neutral and non-polar, at codon 246 of the AMPD1 protein (p.Gly246Val). This variant is present in population databases (rs750771493, gnomAD 0.004%). This variant has not been reported in the literature in individuals affected with AMPD1-related conditions. ClinVar contains an entry for this variant (Variation ID: 1934842). Invitae Evidence Modeling of protein sequence and biophysical properties (such as structural, functional, and spatial information, amino acid conservation, physicochemical variation, residue mobility, and thermodynamic stability) indicates that this missense variant is expected to disrupt AMPD1 protein function with a positive predictive value of 80%. In summary, the available evidence is currently insufficient to determine the role of this variant in disease. Therefore, it has been classified as a Variant of Uncertain Significance.